The following is an entry in ClinVar:

NM_001042492.3(NF1):c.6997G>T (p.Ala2333Ser)

Gene: NF1 (neurofibromin 1; plus strand). Cytogenetic location: 17q11.2.
Variant type: single nucleotide variant.
Coding change: c.6997G>T on transcript NM_001042492.3 (MANE Select); coding-DNA position 6997, G replaced by T.
Protein change: p.Ala2333Ser; replaces alanine 2333 with serine.
Molecular consequence: missense variant.
Genome position (GRCh38, 1-based): chr17:31,340,580, G>T. VCF-style: chr17-31340580-G-T. GRCh37 (hg19) VCF-style: chr17-29667598-G-T.
Other names: c.6934G>T, p.Ala2312Ser (NM_000267.4); short protein forms A2333S, A2312S.
Identifiers: ClinVar variation 527533 (VCV000527533.8), dbSNP rs1555535178, ClinGen allele CA399015004.
Genomic context (GRCh38, chr17:31,340,580, plus strand): 5'-AAAGCCCTCTTTTGGGTAGCTGTGGCTGTGCTGCAGCTTGATGAGGTCAACTTGTATTCA[G>T]CAGGTACCGCACTTCTTGAACAAAACCTGCATACTTTAGATAGTCTCCGTATATTCAATG-3'
Protein context (NP_001035957.1, residues 2323-2343): LQLDEVNLYS[Ala2333Ser]GTALLEQNLH

ClinVar aggregate classification (germline): Uncertain significance. Review status: criteria provided, multiple submitters, no conflicts (2 of 4 stars). 2 submissions from 2 submitters: Uncertain significance (2). Last evaluated 2023-08-28.

Conditions:
Cardiovascular phenotype. Identifiers: MedGen CN230736.
Hereditary cancer-predisposing syndrome. Also called: Neoplastic Syndromes, Hereditary; Tumor predisposition; Hereditary neoplastic syndrome; Hereditary Cancer Syndrome. Identifiers: Orphanet 140162, MedGen C0027672, MeSH D009386, MONDO:0015356.
Neurofibromatosis, type 1 (NF1). Also called: VON RECKLINGHAUSEN DISEASE; NEUROFIBROMATOSIS, TYPE I, SOMATIC; Peripheral type neurofibromatosis; Neurofibromatosis, type I. Identifiers: Orphanet 636, MedGen C0027831, MONDO:0018975, OMIM 162200. Disease mechanism: loss of function.

Submissions (2):

Labcorp Genetics (formerly Invitae), Labcorp
Classification: Uncertain significance for Neurofibromatosis, type 1. Last evaluated: 2023-08-28. Review status: criteria provided, single submitter. Criteria: Invitae Variant Classification Sherloc (09022015). Collection method: clinical testing. Allele origin: germline.
Comment: Advanced modeling of protein sequence and biophysical properties (such as structural, functional, and spatial information, amino acid conservation, physicochemical variation, residue mobility, and thermodynamic stability) has been performed at Invitae for this missense variant, however the output from this modeling did not meet the statistical confidence thresholds required to predict the impact of this variant on NF1 protein function. ClinVar contains an entry for this variant (Variation ID: 527533). This variant has not been reported in the literature in individuals affected with NF1-related conditions. This variant is not present in population databases (gnomAD no frequency). This sequence change replaces alanine, which is neutral and non-polar, with serine, which is neutral and polar, at codon 2312 of the NF1 protein (p.Ala2312Ser). In summary, the available evidence is currently insufficient to determine the role of this variant in disease. Therefore, it has been classified as a Variant of Uncertain Significance.

Ambry Genetics
Classification: Uncertain significance for Cardiovascular phenotype; Hereditary cancer-predisposing syndrome. Last evaluated: 2019-12-20. Review status: criteria provided, single submitter. Criteria: Ambry Variant Classification Scheme 2023. Collection method: clinical testing. Allele origin: germline.
Comment: The p.A2312S variant (also known as c.6934G>T), located in coding exon 46 of the NF1 gene, results from a G to T substitution at nucleotide position 6934. The alanine at codon 2312 is replaced by serine, an amino acid with similar properties. This amino acid position is highly conserved in available vertebrate species. In addition, the in silico prediction for this alteration is inconclusive. Since supporting evidence is limited at this time, the clinical significance of this alteration remains unclear.